The following is an entry in ClinVar:

ClinVar aggregate classification (germline): Conflicting classifications of pathogenicity. Review status: criteria provided, conflicting classifications (1 of 4 stars). 6 submissions from 6 submitters: Uncertain significance (4); Likely benign (2). Last evaluated 2025-09-30.

Conditions:
Primary ciliary dyskinesia. Also called: Ciliary dyskinesia. Identifiers: Orphanet 244, MedGen C0008780, MONDO:0016575, HP:0012265.

Allele frequency attached by ClinVar (database versions not stated): gnomAD exomes 0.00004 and 0.00009; ExAC 0.00008; gnomAD 0.00008 and 0.00009; TOPMed 0.00010.
gnomAD v4.1: 71 of 1,614,102 alleles (0.0044%); highest among the groups gnomAD compares: African/African-American, 0.02%; no homozygotes.

Submissions (6):

Mayo Clinic Laboratories, Mayo Clinic
Classification: Uncertain significance. Last evaluated: 2025-09-30. Review status: criteria provided, single submitter. Criteria: ACMG Guidelines, 2015. Collection method: clinical testing. Allele origin: germline. Observed: 1 variant allele.
Comment: BP4_moderate

Blueprint Genetics
Classification: Likely benign. Last evaluated: 2024-02-15. Review status: criteria provided, single submitter. Criteria: ACMG Guidelines, 2015. Collection method: clinical testing. Allele origin: germline.

Ambry Genetics
Classification: Likely benign for Primary ciliary dyskinesia. Last evaluated: 2023-08-13. Review status: criteria provided, single submitter. Criteria: Ambry Variant Classification Scheme 2023. Collection method: clinical testing. Allele origin: germline.

Labcorp Genetics (formerly Invitae), Labcorp
Classification: Uncertain significance for Primary ciliary dyskinesia. Last evaluated: 2022-02-04. Review status: criteria provided, single submitter. Criteria: Invitae Variant Classification Sherloc (09022015). Collection method: clinical testing. Allele origin: germline.
Comment: This sequence change replaces valine, which is neutral and non-polar, with isoleucine, which is neutral and non-polar, at codon 971 of the CCDC40 protein (p.Val971Ile). This variant is present in population databases (rs746632559, gnomAD 0.03%). This variant has not been reported in the literature in individuals affected with CCDC40-related conditions. ClinVar contains an entry for this variant (Variation ID: 283897). Algorithms developed to predict the effect of missense changes on protein structure and function output the following: SIFT: "Tolerated"; PolyPhen-2: "Benign"; Align-GVGD: "Class C0". The isoleucine amino acid residue is found in multiple mammalian species, which suggests that this missense change does not adversely affect protein function. In summary, the available evidence is currently insufficient to determine the role of this variant in disease. Therefore, it has been classified as a Variant of Uncertain Significance.

GeneDx
Classification: Uncertain significance. Last evaluated: 2016-03-05. Review status: criteria provided, single submitter. Criteria: GeneDx Variant Classification (06012015). Collection method: clinical testing. Allele origin: germline. Affected: yes.
Comment: The V971I variant in the CCDC40 gene has not been reported previously as a pathogenic variant, nor as a benign variant, to our knowledge. Data from control individuals in the NHBI Exome Sequencing Project and the 1000 Genomes Project were not available to assess whether the V971I variant may be a common benign variant in the general population. The V971I variant is a conservative amino acid substitution, which is not likely to impact secondary protein structure as these residues share similar properties. This substitution occurs at a position that is not conserved. In silico analysis is inconsistent in its predictions as to whether or not the variant is damaging to the protein structure/function. We interpret V971I as a variant of uncertain significance.

Eurofins Ntd Llc (ga)
Classification: Uncertain significance. Last evaluated: 2015-10-28. Review status: criteria provided, single submitter. Criteria: EGL Classification Definitions 2015. Collection method: clinical testing. Allele origin: germline. Observed: 1 variant allele, 1 heterozygote.

NM_017950.4(CCDC40):c.2911G>A (p.Val971Ile)

Gene: CCDC40 (coiled-coil domain 40 molecular ruler complex subunit; plus strand). Cytogenetic location: 17q25.3.
Variant type: single nucleotide variant.
Coding change: c.2911G>A on transcript NM_017950.4 (MANE Select); coding-DNA position 2911, G replaced by A.
Protein change: p.Val971Ile; replaces valine 971 with isoleucine.
Molecular consequence: missense variant.
Genome position (GRCh38, 1-based): chr17:80,095,341, G>A. VCF-style: chr17-80095341-G-A. GRCh37 (hg19) VCF-style: chr17-78069140-G-A.
Other names: p.Val971Ile; short protein forms V971I.
Identifiers: ClinVar variation 283897 (VCV000283897.15), dbSNP rs746632559, ClinGen allele CA8814549.